The following is an entry in ClinVar:

NM_001329.4(CTBP2):c.58+11458C>G

Gene: CTBP2 (C-terminal binding protein 2; minus strand). Cytogenetic location: 10q26.13.
Variant type: single nucleotide variant.
Coding change: c.58+11458C>G on transcript NM_001329.4 (MANE Select); 11458 bases into the intron after coding-DNA position 58, C replaced by G.
Molecular consequence: intron variant. On other transcripts: missense variant (1).
Genome position (GRCh38, 1-based): chr10:125,027,539, G>C on the plus strand (C>G on the coding strand, the complement: CTBP2 is on the minus strand). VCF-style: chr10-125027539-G-C. GRCh37 (hg19) VCF-style: chr10-126716108-G-C.
Other names: c.221C>G, p.Ala74Gly (NM_022802.3); c.58+11458C>G (NM_001083914.3, NM_001290214.3, NM_001321012.2 and 3 more transcripts); short protein forms A74G.
Identifiers: ClinVar variation 3053047 (VCV003053047.2), dbSNP rs138273458, ClinGen allele CA5736596.

ClinVar aggregate classification (germline): Likely benign (0 of 4 stars; one submission).

Conditions:
CTBP2-related disorder. Also called: CTBP2-related condition.

Allele frequency attached by ClinVar (database versions not stated): ExAC 0.00031; ESP Exome Variant Server 0.00069; gnomAD 0.00121; 1000 Genomes Project 30x 0.00125; TOPMed 0.00131; 1000 Genomes Project 0.00140.
gnomAD v4.1: 326 of 1,614,142 alleles (0.02%); highest among the groups gnomAD compares: African/African-American, 0.4%; 2 homozygotes.

Submission:

PreventionGenetics, part of Exact Sciences
Classification: Likely benign for CTBP2-related condition. Last evaluated: 2022-05-16. Review status: no assertion criteria provided. Collection method: clinical testing. Allele origin: germline.
Comment: This variant is classified as likely benign based on ACMG/AMP sequence variant interpretation guidelines (Richards et al. 2015 PMID: 25741868, with internal and published modifications).